The following is an entry in ClinVar:

ClinVar aggregate classification (germline): Pathogenic (1 of 4 stars; one submission).

Conditions:
Spermatogenic failure 40. Identifiers: MedGen C5231451, MONDO:0032859, OMIM 618664.

Submission:

Juno Genomics, Hangzhou Juno Genomics, Inc
Classification: Pathogenic for Spermatogenic failure 40. Review status: criteria provided, single submitter. Criteria: ACMG Guidelines, 2015. Collection method: clinical testing. Allele origin: germline. Affected: yes.
Comment: Absent from controls (or at extremely low frequency if recessive) in Genome Aggregation Database.;Null variant in a gene where loss of function (LOF) is a known mechanism of disease.;For recessive disorders, detected in trans with a pathogenic variant.;Patient's phenotype or family history is highly specific for a disease with a single genetic etiology.

NM_194302.4(CFAP65):c.4855C>T (p.Arg1619Ter)

Genes: CFAP65 (cilia and flagella associated protein 65; minus strand), CFAP65-AS1 (CFAP65 antisense RNA 1; plus strand). Cytogenetic location: 2q35.
Variant type: single nucleotide variant.
Coding change: c.4855C>T on transcript NM_194302.4 (MANE Select); coding-DNA position 4855, C replaced by T.
Protein change: p.Arg1619Ter; replaces arginine 1619 with a stop codon.
Molecular consequence: nonsense.
Genome position (GRCh38, 1-based): chr2:219,006,088, G>A on the plus strand (C>T on the coding strand, the complement: CFAP65 is on the minus strand). VCF-style: chr2-219006088-G-A. GRCh37 (hg19) VCF-style: chr2-219870810-G-A.
Other names: short protein forms R1619*.
Identifiers: ClinVar variation 5020047 (VCV005020047.1).